The following is an entry in ClinVar:

NM_004168.4(SDHA):c.1611G>A (p.Gly537=)

Gene: SDHA (succinate dehydrogenase complex flavoprotein subunit A; plus strand). Cytogenetic location: 5p15.33.
Variant type: single nucleotide variant.
Coding change: c.1611G>A on transcript NM_004168.4 (MANE Select); coding-DNA position 1611, G replaced by A.
Protein change: p.Gly537=; no amino-acid change (glycine 537 retained).
Molecular consequence: synonymous variant. On other transcripts: intron variant (1).
Genome position (GRCh38, 1-based): chr5:251,051, G>A. VCF-style: chr5-251051-G-A. GRCh37 (hg19) VCF-style: chr5-251166-G-A.
Other names: c.1467G>A, p.Gly489= (NM_001294332.2); c.1552-3342G>A (NM_001330758.2).
Identifiers: ClinVar variation 417263 (VCV000417263.15), dbSNP rs1060505009, ClinGen allele CA16611976.

ClinVar aggregate classification (germline): Benign/Likely benign. Review status: criteria provided, multiple submitters, no conflicts (2 of 4 stars). 3 submissions from 3 submitters: Benign (1); Likely benign (2). Last evaluated 2025-08-04.

Conditions:
Mitochondrial complex II deficiency, nuclear type 1. Also called: SUCCINATE CoQ REDUCTASE DEFICIENCY. Identifiers: Orphanet 3208, MedGen C5700310, MONDO:0100294, OMIM 252011.
Pheochromocytoma/paraganglioma syndrome 5. Also called: SDHA-Related Hereditary Paraganglioma-Pheochromocytoma Syndrome; Paragangliomas 5. Identifiers: Orphanet 29072, MedGen C3279992, MONDO:0013602, OMIM 614165.
Hereditary cancer-predisposing syndrome. Also called: Neoplastic Syndromes, Hereditary; Hereditary Cancer Syndrome; Tumor predisposition; Hereditary neoplastic syndrome. Identifiers: Orphanet 140162, MedGen C0027672, MeSH D009386, MONDO:0015356.

Allele frequency attached by ClinVar (database versions not stated): TOPMed 0.00002; gnomAD exomes below 0.00001 and 0.00001; gnomAD 0.00001.
gnomAD v4.1: 12 of 1,611,916 alleles (0.00074%); highest among the groups gnomAD compares: Middle Eastern, 0.045%; no homozygotes.

Submissions (3):

Labcorp Genetics (formerly Invitae), Labcorp
Classification: Likely benign for Pheochromocytoma/paraganglioma syndrome 5; Mitochondrial complex II deficiency, nuclear type 1. Last evaluated: 2025-08-04. Review status: criteria provided, single submitter. Criteria: Invitae Variant Classification Sherloc (09022015). Collection method: clinical testing. Allele origin: germline.

Myriad Genetics, Inc.
Classification: Benign for Pheochromocytoma/paraganglioma syndrome 5. Last evaluated: 2025-03-10. Review status: criteria provided, single submitter. Criteria: Myriad Autosomal Dominant, Autosomal Recessive and X-Linked Classification Criteria (2023). Collection method: clinical testing. Allele origin: unknown.
Comment: This variant is considered benign. This variant is a silent/synonymous amino acid change and it is not expected to impact splicing.

Ambry Genetics
Classification: Likely benign for Hereditary cancer-predisposing syndrome. Last evaluated: 2021-03-24. Review status: criteria provided, single submitter. Criteria: Ambry Variant Classification Scheme 2023. Collection method: clinical testing. Allele origin: germline.